The following is an entry in ClinVar:

ClinVar aggregate classification (germline): Uncertain significance. Review status: criteria provided, multiple submitters, no conflicts (2 of 4 stars). 4 submissions from 3 submitters: Uncertain significance (3). 1 of the submissions does not count toward it. Last evaluated 2024-01-19.

Conditions:
Autosomal recessive nonsyndromic hearing loss 12. Also called: DEAFNESS, AUTOSOMAL RECESSIVE 12. Identifiers: Orphanet 90636, MedGen C1832394, MONDO:0011067, OMIM 601386.
Usher syndrome type 1D (USH1D). Also called: USHER SYNDROME, TYPE ID. Identifiers: Orphanet 231169, Orphanet 886, MedGen C1832845, MONDO:0010984, OMIM 601067.
CDH23-related disorder. Also called: CDH23-related disorders; CDH23-related condition.

Allele frequency attached by ClinVar (database versions not stated): ExAC 0.00001; TOPMed 0.00006.
gnomAD v4.1: 134 of 1,613,390 alleles (0.0083%); highest among the groups gnomAD compares: Non-Finnish European, 0.011%; no homozygotes.

Submissions (4):

Blueprint Genetics
Classification: Uncertain significance. Last evaluated: 2024-01-19. Review status: criteria provided, single submitter. Criteria: ACMG Guidelines, 2015. Collection method: clinical testing. Allele origin: germline.

Illumina Laboratory Services, Illumina
Classification: Uncertain significance for Usher syndrome type 1D. Last evaluated: 2018-01-13. Review status: criteria provided, single submitter. Criteria: ICSL Variant Classification Criteria 13 December 2019. Collection method: clinical testing. Allele origin: germline.

Illumina Laboratory Services, Illumina
Classification: Uncertain significance for Autosomal recessive nonsyndromic hearing loss 12. Last evaluated: 2018-01-13. Review status: criteria provided, single submitter. Criteria: ICSL Variant Classification Criteria 13 December 2019. Collection method: clinical testing. Allele origin: germline.

PreventionGenetics, part of Exact Sciences
Classification: Uncertain significance for CDH23-related condition. Last evaluated: 2024-09-18. Review status: no assertion criteria provided. Collection method: clinical testing. Allele origin: germline. Not counted in ClinVar's aggregate classification.
Comment: The CDH23 c.367G>C variant is predicted to result in the amino acid substitution p.Gly123Arg. To our knowledge, this variant has not been reported in the literature. This variant is reported in 0.0035% of alleles in individuals of European (Non-Finnish) descent in gnomAD. At this time, the clinical significance of this variant is uncertain due to the absence of conclusive functional and genetic evidence.

NM_022124.6(CDH23):c.367G>C (p.Gly123Arg)

Genes: CDH23 (cadherin related 23; plus strand), CDH23-AS1 (CDH23 antisense RNA 1; minus strand). Cytogenetic location: 10q22.1.
Variant type: single nucleotide variant.
Coding change: c.367G>C on transcript NM_022124.6 (MANE Select); coding-DNA position 367, G replaced by C.
Protein change: p.Gly123Arg; replaces glycine 123 with arginine.
Molecular consequence: missense variant.
Genome position (GRCh38, 1-based): chr10:71,511,150, G>C. VCF-style: chr10-71511150-G-C. GRCh37 (hg19) VCF-style: chr10-73270907-G-C.
Other names: c.367G>C, p.Gly123Arg (NM_001171930.2, NM_001171931.2, NM_001171932.2 and 1 more transcripts); short protein forms G123R.
Identifiers: ClinVar variation 300399 (VCV000300399.8), dbSNP rs727504513, ClinGen allele CA5543400.
Genomic context (GRCh38, chr10:71,511,150, plus strand): 5'-GGCGCTAATTGCCCGCCTTTCTCTTGCCAGGTGATCACACGGAAGGTGAACATCCAGGTT[G>C]GGGATGTGAATGACAACGCGCCCACATTTCACAATCAGCCCTACAGCGTCCGCATCCCTG-3'
Protein context (NP_071407.4, residues 113-133): VITRKVNIQV[Gly123Arg]DVNDNAPTFH